The following is an entry in ClinVar:

NM_006432.5(NPC2):c.298C>A (p.Pro100Thr)

Gene: NPC2 (NPC intracellular cholesterol transporter 2; minus strand). Cytogenetic location: 14q24.3.
Variant type: single nucleotide variant.
Coding change: c.298C>A on transcript NM_006432.5 (MANE Select); coding-DNA position 298, C replaced by A.
Protein change: p.Pro100Thr; replaces proline 100 with threonine.
Molecular consequence: missense variant.
Genome position (GRCh38, 1-based): chr14:74,484,480, G>T on the plus strand (C>A on the coding strand, the complement: NPC2 is on the minus strand). VCF-style: chr14-74484480-G-T. GRCh37 (hg19) VCF-style: chr14-74951183-G-T.
Other names: c.298C>A, p.Pro100Thr (NM_001363688.1, NM_001375440.1); short protein forms P100T.
Identifiers: ClinVar variation 3618278 (VCV003618278.1).

ClinVar aggregate classification (germline): Uncertain significance (1 of 4 stars; one submission).

Conditions:
Niemann-Pick disease, type C2 (NPC2). Identifiers: Orphanet 646, MedGen C1843366, MONDO:0011873, OMIM 607625.

Submission:

Labcorp Genetics (formerly Invitae), Labcorp
Classification: Uncertain significance for Niemann-Pick disease, type C2. Last evaluated: 2025-01-27. Review status: criteria provided, single submitter. Criteria: Invitae Variant Classification Sherloc (09022015). Collection method: clinical testing. Allele origin: germline.
Comment: This sequence change replaces proline, which is neutral and non-polar, with threonine, which is neutral and polar, at codon 100 of the NPC2 protein (p.Pro100Thr). This variant is not present in population databases (gnomAD no frequency). This variant has not been reported in the literature in individuals affected with NPC2-related conditions. An algorithm developed to predict the effect of missense changes on protein structure and function (PolyPhen-2) suggests that this variant is likely to be disruptive. In summary, the available evidence is currently insufficient to determine the role of this variant in disease. Therefore, it has been classified as a Variant of Uncertain Significance.